The following is an entry in ClinVar:

ClinVar aggregate classification (germline): Pathogenic (1 of 4 stars; one submission).

Conditions:
Primary ciliary dyskinesia. Also called: Ciliary dyskinesia. Identifiers: Orphanet 244, MedGen C0008780, MONDO:0016575, HP:0012265.

Allele frequency attached by ClinVar (database versions not stated): ExAC 0.00001; gnomAD exomes 0.00001 and 0.00002; gnomAD 0.00002; TOPMed 0.00002.

Submission:

Labcorp Genetics (formerly Invitae), Labcorp
Classification: Pathogenic for Primary ciliary dyskinesia. Last evaluated: 2024-11-16. Review status: criteria provided, single submitter. Criteria: Invitae Variant Classification Sherloc (09022015). Collection method: clinical testing. Allele origin: germline.
Comment: This sequence change creates a premature translational stop signal (p.Arg359Alafs*35) in the CCDC40 gene. It is expected to result in an absent or disrupted protein product. Loss-of-function variants in CCDC40 are known to be pathogenic (PMID: 21131974, 22693285, 23255504). This variant is present in population databases (rs781507988, gnomAD 0.002%). This variant has not been reported in the literature in individuals affected with CCDC40-related conditions. ClinVar contains an entry for this variant (Variation ID: 962995). For these reasons, this variant has been classified as Pathogenic.

Literature cited by the submitters: PubMed 21131974; PubMed 22693285; PubMed 23255504.

NM_017950.4(CCDC40):c.1073dup (p.Arg359fs)

Gene: CCDC40 (coiled-coil domain 40 molecular ruler complex subunit; plus strand). Cytogenetic location: 17q25.3.
Variant type: Duplication.
Coding change: c.1073dup on transcript NM_017950.4 (MANE Select); coding-DNA position 1073, one base duplicated (A; older notation c.1073dupA).
Protein change: p.Arg359fs; shifts the reading frame from arginine 359.
Molecular consequence: frameshift variant.
Genome position (GRCh38, 1-based): chr17:80,050,197, A duplicated. VCF-style (leftmost placement, unchanged base first): chr17-80050196-G-GA. GRCh37 (hg19) VCF-style: chr17-78023995-G-GA.
Other names: c.1073dup, p.Arg359fs (NM_001243342.2, NM_001330508.2); short protein forms R359fs.
Identifiers: ClinVar variation 962995 (VCV000962995.8), dbSNP rs781507988, ClinGen allele CA8813677.